The following is an entry in ClinVar:

ClinVar aggregate classification (germline): Conflicting classifications of pathogenicity. Review status: criteria provided, conflicting classifications (1 of 4 stars). 5 submissions from 5 submitters: Uncertain significance (4); Likely benign (1). Last evaluated 2026-05-10.

Conditions:
Deficiency of alpha-mannosidase (MANSA). Also called: LYSOSOMAL ALPHA-D-MANNOSIDASE DEFICIENCY; Alpha-Mannosidosis; Mannosidosis, alpha-, types I and II. Identifiers: Orphanet 61, MedGen C0024748, MONDO:0009561, OMIM 248500.
MAN2B1-related disorder. Also called: MAN2B1-related condition.
Inborn genetic diseases. Identifiers: MedGen C0950123, MeSH D030342.

Allele frequency attached by ClinVar (database versions not stated): ESP Exome Variant Server 0.00008; ExAC 0.00010; gnomAD exomes 0.00012 and 0.00048; gnomAD 0.00013 and 0.00014; TOPMed 0.00015.
gnomAD v4.1: 710 of 1,611,194 alleles (0.044%); highest among the groups gnomAD compares: Non-Finnish European, 0.059%; 2 homozygotes.

Submissions (5):

Women's Health and Genetics/Laboratory Corporation of America, LabCorp
Classification: Uncertain significance. Last evaluated: 2026-05-10. Review status: criteria provided, single submitter. Criteria: LabCorp Variant Classification Summary - May 2015. Collection method: clinical testing. Allele origin: germline.

PreventionGenetics, part of Exact Sciences
Classification: Likely benign for MAN2B1-related condition. Last evaluated: 2024-11-14. Review status: criteria provided, single submitter. Criteria: ACMG Guidelines, 2015. Collection method: clinical testing. Allele origin: germline.
Comment: This variant is classified as likely benign based on ACMG/AMP sequence variant interpretation guidelines (Richards et al. 2015 PMID: 25741868, with internal and published modifications).

Labcorp Genetics (formerly Invitae), Labcorp
Classification: Uncertain significance for Deficiency of alpha-mannosidase. Last evaluated: 2022-09-01. Review status: criteria provided, single submitter. Criteria: Invitae Variant Classification Sherloc (09022015). Collection method: clinical testing. Allele origin: germline.
Comment: This sequence change falls in intron 4 of the MAN2B1 gene. It does not directly change the encoded amino acid sequence of the MAN2B1 protein. It affects a nucleotide within the consensus splice site. This variant is present in population databases (rs372899975, gnomAD 0.03%). This variant has not been reported in the literature in individuals affected with MAN2B1-related conditions. ClinVar contains an entry for this variant (Variation ID: 891241). Variants that disrupt the consensus splice site are a relatively common cause of aberrant splicing (PMID: 17576681, 9536098). Algorithms developed to predict the effect of sequence changes on RNA splicing suggest that this variant is not likely to affect RNA splicing. In summary, the available evidence is currently insufficient to determine the role of this variant in disease. Therefore, it has been classified as a Variant of Uncertain Significance.

Ambry Genetics
Classification: Uncertain significance for Inborn genetic diseases. Last evaluated: 2022-06-29. Review status: criteria provided, single submitter. Criteria: Ambry Variant Classification Scheme 2023. Collection method: clinical testing. Allele origin: germline.
Comment: The c.630+6A>T intronic alteration consists of a A to T substitution nucleotides after coding exon 4 in the MAN2B1 gene. Based on insufficient or conflicting evidence, the clinical significance of this alteration remains unclear.

Illumina Laboratory Services, Illumina
Classification: Uncertain significance for Deficiency of alpha-mannosidase. Last evaluated: 2018-01-13. Review status: criteria provided, single submitter. Criteria: ICSL Variant Classification Criteria 13 December 2019. Collection method: clinical testing. Allele origin: germline.

Literature cited by the submitters: PubMed 17576681 (cited by Labcorp Genetics (formerly Invitae), Labcorp); PubMed 9536098 (cited by Labcorp Genetics (formerly Invitae), Labcorp).

NM_000528.4(MAN2B1):c.630+6A>T

Gene: MAN2B1 (mannosidase alpha class 2B member 1; minus strand). Cytogenetic location: 19p13.13.
Variant type: single nucleotide variant.
Coding change: c.630+6A>T on transcript NM_000528.4 (MANE Select); 6 bases into the intron after coding-DNA position 630, A replaced by T.
Molecular consequence: intron variant.
Genome position (GRCh38, 1-based): chr19:12,664,786, T>A on the plus strand (A>T on the coding strand, the complement: MAN2B1 is on the minus strand). VCF-style: chr19-12664786-T-A. GRCh37 (hg19) VCF-style: chr19-12775600-T-A.
Other names: c.630+6A>T (NM_001173498.2).
Identifiers: ClinVar variation 891241 (VCV000891241.9), dbSNP rs372899975, ClinGen allele CA9226762.